The following is an entry in ClinVar:

NM_004447.6(EPS8):c.1287T>C (p.Tyr429=)

Gene: EPS8 (EGFR pathway substrate 8, signaling adaptor; minus strand). Cytogenetic location: 12p12.3.
Variant type: single nucleotide variant.
Coding change: c.1287T>C on transcript NM_004447.6 (MANE Select); coding-DNA position 1287, T replaced by C.
Protein change: p.Tyr429=; no amino-acid change (tyrosine 429 retained).
Molecular consequence: synonymous variant.
Genome position (GRCh38, 1-based): chr12:15,650,970, A>G on the plus strand (T>C on the coding strand, the complement: EPS8 is on the minus strand). VCF-style: chr12-15650970-A-G. GRCh37 (hg19) VCF-style: chr12-15803904-A-G.
Other names: p.Tyr429=.
Identifiers: ClinVar variation 509184 (VCV000509184.15), dbSNP rs33956726, ClinGen allele CA6467611.

ClinVar aggregate classification (germline): Benign. Review status: criteria provided, multiple submitters, no conflicts (2 of 4 stars). 5 submissions from 5 submitters: Benign (5). Last evaluated 2026-01-27.

Allele frequency attached by ClinVar (database versions not stated): gnomAD exomes 0.00952 and 0.01659; ExAC 0.01747; gnomAD 0.02223 and 0.02242; ESP Exome Variant Server 0.02345; TOPMed 0.02549; 1000 Genomes Project 30x 0.02873; 1000 Genomes Project 0.02975.
gnomAD v4.1: 17,509 of 1,614,062 alleles (1.1%); highest among the groups gnomAD compares: African/African-American, 5.5%; 239 homozygotes.

Submissions (5):

Labcorp Genetics (formerly Invitae), Labcorp
Classification: Benign. Last evaluated: 2026-01-27. Review status: criteria provided, single submitter. Criteria: Invitae Variant Classification Sherloc (09022015). Collection method: clinical testing. Allele origin: germline.

Mayo Clinic Laboratories, Mayo Clinic
Classification: Benign. Last evaluated: 2022-04-15. Review status: criteria provided, single submitter. Criteria: ACMG Guidelines, 2015. Collection method: clinical testing. Allele origin: germline. Observed: 3 variant alleles.

GeneDx
Classification: Benign. Last evaluated: 2017-11-01. Review status: criteria provided, single submitter. Criteria: GeneDx Variant Classification (06012015). Collection method: clinical testing. Allele origin: germline. Affected: yes.
Comment: This variant is considered likely benign or benign based on one or more of the following criteria: it is a conservative change, it occurs at a poorly conserved position in the protein, it is predicted to be benign by multiple in silico algorithms, and/or has population frequency not consistent with disease.

Laboratory for Molecular Medicine, Mass General Brigham Personalized Medicine
Classification: Benign. Last evaluated: 2017-08-23. Review status: criteria provided, single submitter. Criteria: LMM Criteria. Collection method: clinical testing. Allele origin: germline. Observed: 10 variant alleles.
Comment: p.Tyr429Tyr in exon 14 of EPS8: This variant is not expected to have clinical si gnificance because it does not alter an amino acid residue, is not located withi n the splice consensus sequence, and has been identified in 5.54% (576/10404) of African chromosomes by the Exome Aggregation Consortium (ExAC; dbSNP rs33956726).

Breakthrough Genomics
Classification: Benign. Review status: criteria provided, single submitter. Criteria: ACMG Guidelines, 2015. Collection method: not provided. Allele origin: germline. Inheritance: Autosomal recessive inheritance. Affected: yes.